The following is an entry in ClinVar:

ClinVar aggregate classification (germline): Uncertain significance (1 of 4 stars; one submission).

Conditions:
Episodic kinesigenic dyskinesia (EKD). Also called: Paroxysmal kinesigenic dyskinesia. Identifiers: Orphanet 98809, MedGen C1868682, MONDO:0044202.

Submission:

Labcorp Genetics (formerly Invitae), Labcorp
Classification: Uncertain significance for Episodic kinesigenic dyskinesia. Last evaluated: 2023-08-14. Review status: criteria provided, single submitter. Criteria: Invitae Variant Classification Sherloc (09022015). Collection method: clinical testing. Allele origin: germline.
Comment: This sequence change replaces glutamic acid, which is acidic and polar, with valine, which is neutral and non-polar, at codon 10 of the PRRT2 protein (p.Glu10Val). This variant is not present in population databases (gnomAD no frequency). This variant has not been reported in the literature in individuals affected with PRRT2-related conditions. Advanced modeling of protein sequence and biophysical properties (such as structural, functional, and spatial information, amino acid conservation, physicochemical variation, residue mobility, and thermodynamic stability) performed at Invitae indicates that this missense variant is not expected to disrupt PRRT2 protein function. In summary, the available evidence is currently insufficient to determine the role of this variant in disease. Therefore, it has been classified as a Variant of Uncertain Significance.

NM_145239.3(PRRT2):c.29A>T (p.Glu10Val)

Genes: MVP-DT (MVP divergent transcript; minus strand), PRRT2 (proline rich transmembrane protein 2; plus strand). Cytogenetic location: 16p11.2.
Variant type: single nucleotide variant.
Coding change: c.29A>T on transcript NM_145239.3 (MANE Select); coding-DNA position 29, A replaced by T.
Protein change: p.Glu10Val; replaces glutamic acid 10 with valine.
Molecular consequence: missense variant.
Genome position (GRCh38, 1-based): chr16:29,813,083, A>T. VCF-style: chr16-29813083-A-T. GRCh37 (hg19) VCF-style: chr16-29824404-A-T.
Other names: c.29A>T, p.Glu10Val (NM_001256442.2, NM_001256443.2); short protein forms E10V.
Identifiers: ClinVar variation 2793355 (VCV002793355.3), dbSNP rs2543330753, ClinGen allele CA395477021.